The following is an entry in ClinVar:

NM_000350.3(ABCA4):c.1574T>C (p.Phe525Ser)

Gene: ABCA4 (ATP binding cassette subfamily A member 4; minus strand). Cytogenetic location: 1p22.1.
Variant type: single nucleotide variant.
Coding change: c.1574T>C on transcript NM_000350.3 (MANE Select); coding-DNA position 1574, T replaced by C.
Protein change: p.Phe525Ser; replaces phenylalanine 525 with serine.
Molecular consequence: missense variant.
Genome position (GRCh38, 1-based): chr1:94,063,298, A>G on the plus strand (T>C on the coding strand, the complement: ABCA4 is on the minus strand). VCF-style: chr1-94063298-A-G. GRCh37 (hg19) VCF-style: chr1-94528854-A-G.
Other names: c.1574T>C, p.Phe525Ser (NM_001425324.1); short protein forms F525S.
Identifiers: ClinVar variation 3249752 (VCV003249752.3).

ClinVar aggregate classification (germline): Pathogenic/Likely pathogenic. Review status: criteria provided, multiple submitters, no conflicts (2 of 4 stars). 2 submissions from 2 submitters: Pathogenic (1); Likely pathogenic (1). Last evaluated 2024-06-26.

Conditions:
Retinal dystrophy. Also called: Inherited retinal dystrophy. Identifiers: Orphanet 71862, MedGen C0854723, MeSH D058499, MONDO:0019118, HP:0000556.

gnomAD v4.1: 7 of 1,614,144 alleles (0.00043%); highest among the groups gnomAD compares: Non-Finnish European, 0.00059%; no homozygotes.

Submissions (2):

Labcorp Genetics (formerly Invitae), Labcorp
Classification: Pathogenic. Last evaluated: 2024-06-26. Review status: criteria provided, single submitter. Criteria: Invitae Variant Classification Sherloc (09022015). Collection method: clinical testing. Allele origin: germline.
Comment: This sequence change replaces phenylalanine, which is neutral and non-polar, with serine, which is neutral and polar, at codon 525 of the ABCA4 protein (p.Phe525Ser). This variant is not present in population databases (gnomAD no frequency). This missense change has been observed in individuals with clinical features of ABCA4-related conditions (PMID: 29925512, 35120629). Advanced modeling of protein sequence and biophysical properties (such as structural, functional, and spatial information, amino acid conservation, physicochemical variation, residue mobility, and thermodynamic stability) performed at Invitae indicates that this missense variant is expected to disrupt ABCA4 protein function with a positive predictive value of 95%. This variant disrupts the p.Phe525 amino acid residue in ABCA4. Other variant(s) that disrupt this residue have been determined to be pathogenic (PMID: 29925512). This suggests that this residue is clinically significant, and that variants that disrupt this residue are likely to be disease-causing. For these reasons, this variant has been classified as Pathogenic.

Institute of Human Genetics, Univ. Regensburg, Univ. Regensburg
Classification: Likely pathogenic for Retinal dystrophy. Last evaluated: 2015-01-01. Review status: criteria provided, single submitter. Criteria: ACMG Guidelines, 2015. Collection method: clinical testing. Allele origin: germline. Affected: yes.

Literature cited by the submitters: PubMed 29925512 (cited by Labcorp Genetics (formerly Invitae), Labcorp and Institute of Human Genetics, Univ. Regensburg, Univ. Regensburg); PubMed 35120629 (cited by Labcorp Genetics (formerly Invitae), Labcorp).